The following is an entry in ClinVar:

NM_007098.4(CLTCL1):c.2128+8A>G

Gene: CLTCL1 (clathrin heavy chain like 1; minus strand). Cytogenetic location: 22q11.21.
Variant type: single nucleotide variant.
Coding change: c.2128+8A>G on transcript NM_007098.4 (MANE Select); 8 bases into the intron after coding-DNA position 2128, A replaced by G.
Molecular consequence: intron variant.
Genome position (GRCh38, 1-based): chr22:19,225,445, T>C on the plus strand (A>G on the coding strand, the complement: CLTCL1 is on the minus strand). VCF-style: chr22-19225445-T-C. GRCh37 (hg19) VCF-style: chr22-19212968-T-C.
Other names: p.?; c.2128+8A>G (NM_001835.4).
Identifiers: ClinVar variation 4684458 (VCV004684458.1).

ClinVar aggregate classification (germline): Benign (1 of 4 stars; one submission).

gnomAD v4.1: 1,927 of 1,569,006 alleles (0.12%); highest among the groups gnomAD compares: African/African-American, 1.9%; 15 homozygotes.

Submission:

Mayo Clinic Laboratories, Mayo Clinic
Classification: Benign. Last evaluated: 2024-11-14. Review status: criteria provided, single submitter. Criteria: ACMG Guidelines, 2015. Collection method: clinical testing. Allele origin: germline. Observed: 1 variant allele.
Comment: BS1, BS2, BP4, BP7